The following is an entry in ClinVar:

NM_173354.5(SIK1):c.376G>T (p.Ala126Ser)

Gene: SIK1 (salt inducible kinase 1; minus strand). Cytogenetic location: 21q22.3.
Variant type: single nucleotide variant.
Coding change: c.376G>T on transcript NM_173354.5 (MANE Select); coding-DNA position 376, G replaced by T.
Protein change: p.Ala126Ser; replaces alanine 126 with serine.
Molecular consequence: missense variant.
Genome position (GRCh38, 1-based): chr21:43,421,761, C>A on the plus strand (G>T on the coding strand, the complement: SIK1 is on the minus strand). VCF-style: chr21-43421761-C-A. GRCh37 (hg19) VCF-style: chr21-44841641-C-A.
Other names: short protein forms A126S.
Identifiers: ClinVar variation 1715348 (VCV001715348.6), dbSNP rs2516967798, ClinGen allele CA410610343.
Genomic context (GRCh38, chr21:43,421,761, plus strand): 5'-CGATGTGATGGTCGTGACAGTACTCCACGGCCGACAGGATTTGCCAGAACTTCTTCCGCG[C>A]CTCGTTCTCACTCAGGTGCCCGTTGGAAGTCAAATAATCTGAGGAGCCACAAAACAAAGC-3'
Protein context (NP_775490.2, residues 116-136): TSNGHLSENE[Ala126Ser]RKKFWQILSA

ClinVar aggregate classification (germline): Uncertain significance (1 of 4 stars; one submission).

Conditions:
Developmental and epileptic encephalopathy, 30 (DEE30). Also called: Epileptic encephalopathy, early infantile, 30. Identifiers: MedGen C4225360, MONDO:0014595, OMIM 616341.

Submission:

Labcorp Genetics (formerly Invitae), Labcorp
Classification: Uncertain significance for Developmental and epileptic encephalopathy, 30. Last evaluated: 2022-08-06. Review status: criteria provided, single submitter. Criteria: Invitae Variant Classification Sherloc (09022015). Collection method: clinical testing. Allele origin: germline.
Comment: Algorithms developed to predict the effect of missense changes on protein structure and function (SIFT, PolyPhen-2, Align-GVGD) all suggest that this variant is likely to be disruptive. This variant has not been reported in the literature in individuals affected with SIK1-related conditions. This variant is not present in population databases (gnomAD no frequency). This sequence change replaces alanine, which is neutral and non-polar, with serine, which is neutral and polar, at codon 126 of the SIK1 protein (p.Ala126Ser). In summary, the available evidence is currently insufficient to determine the role of this variant in disease. Therefore, it has been classified as a Variant of Uncertain Significance.